The following is an entry in ClinVar:

ClinVar aggregate classification (germline): Likely pathogenic. Review status: reviewed by expert panel (3 of 4 stars). 3 submissions from 3 submitters: Likely pathogenic (1). 2 of the submissions do not count toward it. Last evaluated 2025-11-26.

Conditions:
Monogenic diabetes. Identifiers: Orphanet 183625, MedGen C3888631, MONDO:0015967.
Maturity-onset diabetes of the young (MODY). Also called: Maturity onset diabetes mellitus in young. Identifiers: Orphanet 552, MedGen C0342276, MONDO:0018911, HP:0004904.
Maturity-onset diabetes of the young type 3. Also called: MODY type 3; MODY, type III. Identifiers: Orphanet 552, MedGen C1838100, MeSH C563933, MONDO:0010894, OMIM 600496. Disease mechanism: loss of function.

Submissions (3):

ClinGen Monogenic Diabetes Variant Curation Expert Panel
Classification: Likely pathogenic for Monogenic diabetes. Last evaluated: 2025-11-26. Review status: reviewed by expert panel. Criteria: ClinGen Diabetes ACMG Specifications HNF1A V3.1.0. Collection method: curation. Allele origin: germline. Inheritance: Autosomal dominant inheritance.
Comment: The c.670C>T variant in the HNF1 homeobox A gene, HNF1A, causes an amino acid change of proline to serine at codon 224 (p.(Pro224Ser)) of NM_000545.8. This variant is located within a conserved region of the DNA binding domain (codons 107-174 and 201-280) of HNF1A, which is defined as critical for the protein’s function by the ClinGen MDEP (PM1_Supporting) and is absent from gnomAD v4.1.0 (PM2_Supporting). Additionally, this variant is predicted to be deleterious by computational evidence, with a REVEL score of 0.944, which is greater than the MDEP VCEP threshold of 0.70 (PP3). The c.670C>T variant was identified in an individual with a clinical history highly specific for HNF1A-monogenic diabetes (MODY probability calculator result >50%, negative genetic testing for HNF4A, and responsive to low-dose sulfonylureas) (PP4_Moderate; internal lab contributor). This variant segregated with diabetes, with four informative meioses in three families with MODY (PP1_Strong; PMID:15031772, internal lab contributors). In summary, c.670C>T meets the criteria to be classified as likely pathogenic for monogenic diabetes. ACMG/AMP criteria applied, as specified by the ClinGen MDEP (specification version 3.1.0, approved 10/10/2025): PP1_Strong, PM1_Supporting, PM2_Supporting, PP3, PP4_Moderate.

Women's Health and Genetics/Laboratory Corporation of America, LabCorp
Classification: Likely pathogenic for MODY3. Last evaluated: 2011-08-18. Review status: criteria provided, single submitter. Criteria: LabCorp Variant Classification Summary - May 2015. Collection method: curation, clinical testing. Allele origin: germline. Inheritance: autosomal dominant. Affected: yes. Observed: 3 variant alleles. Not counted in ClinVar's aggregate classification.
ClinVar note: Converted during submission from likely pathogenic to Likely pathogenic.

Clinical Genomics, Uppaluri K&H Personalized Medicine Clinic
Classification: Likely risk allele for Maturity-onset diabetes of the young. Review status: criteria provided, single submitter. Criteria: K & H Uppaluri Personalized Medicine Clinic Variant Classification & Assertion Criteria_Updated V.1. Collection method: research. Allele origin: unknown. Inheritance: Autosomal dominant inheritance. Not counted in ClinVar's aggregate classification.
Comment: Mutations in HNF1A gene can predispose to MODY3. It is associated with both micro and macrovascular complications of diabetes, especially cardiovascular complications. Associated with glucosuria. May respond well to sulfonylureas. However, more evidence is required to confer the association of this particular variant rs193922600 with MODY3.

Literature cited by the submitters: PubMed 15031772 (cited by ClinGen Monogenic Diabetes Variant Curation Expert Panel and Women's Health and Genetics/Laboratory Corporation of America, LabCorp); PubMed 31517624 (cited by Clinical Genomics, Uppaluri K&H Personalized Medicine Clinic); PubMed 32395877 (cited by Clinical Genomics, Uppaluri K&H Personalized Medicine Clinic); PubMed 35328643 (cited by Clinical Genomics, Uppaluri K&H Personalized Medicine Clinic).

NM_000545.8(HNF1A):c.670C>T (p.Pro224Ser)

Gene: HNF1A (HNF1 homeobox A; plus strand). Cytogenetic location: 12q24.31.
Variant type: single nucleotide variant.
Coding change: c.670C>T on transcript NM_000545.8 (MANE Select); coding-DNA position 670, C replaced by T.
Protein change: p.Pro224Ser; replaces proline 224 with serine.
Molecular consequence: missense variant.
Genome position (GRCh38, 1-based): chr12:120,993,663, C>T. VCF-style: chr12-120993663-C-T. GRCh37 (hg19) VCF-style: chr12-121431466-C-T.
Other names: NM_000545.6(HNF1A):c.670C>T; c.670C>T, p.Pro224Ser (NM_001306179.2); short protein forms P224S.
Identifiers: ClinVar variation 36826 (VCV000036826.8), dbSNP rs193922600, ClinGen allele CA214317.